The following is an entry in ClinVar:

ClinVar aggregate classification (germline): Uncertain significance (1 of 4 stars; one submission).

Allele frequency attached by ClinVar (database versions not stated): TOPMed 0.00001; gnomAD 0.00005; gnomAD exomes 0.00009; ExAC 0.00018.
gnomAD v4.1: 131 of 1,608,674 alleles (0.0081%); highest among the groups gnomAD compares: South Asian, 0.14%; no homozygotes.

Submission:

Labcorp Genetics (formerly Invitae), Labcorp
Classification: Uncertain significance. Last evaluated: 2021-08-28. Review status: criteria provided, single submitter. Criteria: Invitae Variant Classification Sherloc (09022015). Collection method: clinical testing. Allele origin: germline.
Comment: This sequence change replaces phenylalanine with cysteine at codon 397 of the LIFR protein (p.Phe397Cys). The phenylalanine residue is moderately conserved and there is a large physicochemical difference between phenylalanine and cysteine. This variant is present in population databases (rs369830202, ExAC 0.1%). This variant has not been reported in the literature in individuals affected with LIFR-related conditions. Algorithms developed to predict the effect of missense changes on protein structure and function (SIFT, PolyPhen-2, Align-GVGD) all suggest that this variant is likely to be tolerated. In summary, the available evidence is currently insufficient to determine the role of this variant in disease. Therefore, it has been classified as a Variant of Uncertain Significance.

NM_001127671.2(LIFR):c.1190T>G (p.Phe397Cys)

Gene: LIFR (LIF receptor subunit alpha; minus strand). Cytogenetic location: 5p13.1.
Variant type: single nucleotide variant.
Coding change: c.1190T>G on transcript NM_001127671.2 (MANE Select); coding-DNA position 1190, T replaced by G.
Protein change: p.Phe397Cys; replaces phenylalanine 397 with cysteine.
Molecular consequence: missense variant.
Genome position (GRCh38, 1-based): chr5:38,506,006, A>C on the plus strand (T>G on the coding strand, the complement: LIFR is on the minus strand). VCF-style: chr5-38506006-A-C. GRCh37 (hg19) VCF-style: chr5-38506108-A-C.
Other names: c.1190T>G, p.Phe397Cys (NM_001364297.2, NM_001364298.2, NM_002310.6); short protein forms F397C.
Identifiers: ClinVar variation 2139336 (VCV002139336.1), dbSNP rs369830202, ClinGen allele CA3243019.